The following is an entry in ClinVar:

ClinVar aggregate classification (germline): Likely pathogenic (1 of 4 stars; one submission).

Conditions:
Glycine encephalopathy. Also called: Nonketotic hyperglycinemia; Non-ketotic hyperglycinemia. Identifiers: Orphanet 407, MedGen C0751748, MONDO:0011612, HP:0008288.

Submission:

Natera, Inc.
Classification: Likely pathogenic for Non-ketotic hyperglycinemia. Last evaluated: 2026-01-24. Review status: criteria provided, single submitter. Criteria: Natera Variant Classification Schema (03/2026). Collection method: clinical testing. Allele origin: germline.
Comment: The c.1065del variant in GLDC is a frameshift variant predicted to shift the reading frame beginning at codon 356 and leads to a stop codon 61 codons downstream. This variant is expected to result in nonsense mediated decay, truncation, or a dysfunctional protein product. This variant is rare in the general population with a frequency below the threshold expected for the associated phenotype(s). Given the available evidence, this variant is classified as Likely Pathogenic.

NM_000170.3(GLDC):c.1065del (p.Thr356fs)

Gene: GLDC (glycine decarboxylase; minus strand). Cytogenetic location: 9p24.1.
Variant type: Deletion.
Coding change: c.1065del on transcript NM_000170.3 (MANE Select); coding-DNA position 1065, one base deleted (C; older notation c.1065delC).
Protein change: p.Thr356fs; shifts the reading frame from threonine 356.
Molecular consequence: frameshift variant.
Genome position (GRCh38, 1-based): chr9:6,602,199, G deleted on the plus strand (C on the coding strand, the reverse complement: GLDC is on the minus strand); the first of 2 consecutive G bases (chr9:6,602,199-6,602,200); deleting either gives the same sequence. VCF-style (leftmost placement, unchanged base first): chr9-6602198-TG-T. GRCh37 (hg19) VCF-style: chr9-6602198-TG-T.
Other names: c.1064delC, p.Thr356Leufs (NM_000170.2); short protein forms T356fs.
Identifiers: ClinVar variation 4817848 (VCV004817848.1).